The following is an entry in ClinVar:

NM_000666.3(ACY1):c.839A>C (p.Asp280Ala)

Genes: ABHD14A-ACY1 (ABHD14A-ACY1 readthrough; plus strand), ACY1 (aminoacylase 1; plus strand). Cytogenetic location: 3p21.2.
Variant type: single nucleotide variant.
Coding change: c.839A>C on transcript NM_000666.3 (MANE Select); coding-DNA position 839, A replaced by C.
Protein change: p.Asp280Ala; replaces aspartic acid 280 with alanine.
Molecular consequence: missense variant. On other transcripts: intron variant (1).
Genome position (GRCh38, 1-based): chr3:51,987,440, A>C. VCF-style: chr3-51987440-A-C. GRCh37 (hg19) VCF-style: chr3-52021456-A-C.
Other names: c.1109A>C, p.Asp370Ala (NM_001316331.2); c.839A>C, p.Asp280Ala (NM_001198895.2); c.623A>C, p.Asp208Ala (NM_001198896.2); c.734A>C, p.Asp245Ala (NM_001198898.2); c.658-116A>C (NM_001198897.2); short protein forms D370A, D280A, D208A, D245A.
Identifiers: ClinVar variation 1933666 (VCV001933666.5), dbSNP rs1479626589, ClinGen allele CA353092128.
Genomic context (GRCh38, chr3:51,987,440, plus strand): 5'-TGGCCTATAACGTGATACCTGCCACCATGAGCGCCAGCTTTGACTTCCGTGTGGCACCGG[A>C]TGTGGACTTCAAGGTGCCACCTCCACCTGGGTTTGGAGGAGGGATCCTGGGTCCTCAGTC-3'
Protein context (NP_000657.1, residues 270-290): SASFDFRVAP[Asp280Ala]VDFKAFEEQL

ClinVar aggregate classification (germline): Uncertain significance (1 of 4 stars; one submission).

Allele frequency attached by ClinVar (database versions not stated): gnomAD exomes 0.00001; TOPMed 0.00001.
gnomAD v4.1: 15 of 1,614,142 alleles (0.00093%); highest among the groups gnomAD compares: Admixed American, 0.005%; no homozygotes.

Submission:

Labcorp Genetics (formerly Invitae), Labcorp
Classification: Uncertain significance. Last evaluated: 2024-10-22. Review status: criteria provided, single submitter. Criteria: Invitae Variant Classification Sherloc (09022015). Collection method: clinical testing. Allele origin: germline.
Comment: This sequence change replaces aspartic acid, which is acidic and polar, with alanine, which is neutral and non-polar, at codon 280 of the ACY1 protein (p.Asp280Ala). This variant is present in population databases (no rsID available, gnomAD 0.003%). This variant has not been reported in the literature in individuals affected with ACY1-related conditions. ClinVar contains an entry for this variant (Variation ID: 1933666). Invitae Evidence Modeling of protein sequence and biophysical properties (such as structural, functional, and spatial information, amino acid conservation, physicochemical variation, residue mobility, and thermodynamic stability) indicates that this missense variant is not expected to disrupt ACY1 protein function with a negative predictive value of 80%. In summary, the available evidence is currently insufficient to determine the role of this variant in disease. Therefore, it has been classified as a Variant of Uncertain Significance.